The following is an entry in ClinVar:

NM_003809.3(TNFSF12):c.451G>A (p.Gly151Arg)

Genes: TNFSF12 (TNF superfamily member 12; plus strand), TNFSF12-TNFSF13 (TNFSF12-TNFSF13 readthrough; plus strand). Cytogenetic location: 17p13.1.
Variant type: single nucleotide variant.
Coding change: c.451G>A on transcript NM_003809.3 (MANE Select); coding-DNA position 451, G replaced by A.
Protein change: p.Gly151Arg; replaces glycine 151 with arginine.
Molecular consequence: missense variant. On other transcripts: non-coding transcript variant (1).
Genome position (GRCh38, 1-based): chr17:7,556,855, G>A. VCF-style: chr17-7556855-G-A. GRCh37 (hg19) VCF-style: chr17-7460172-G-A.
Other names: c.451G>A, p.Gly151Arg (NM_172089.4); short protein forms G151R.
Identifiers: ClinVar variation 2980504 (VCV002980504.3), dbSNP rs750825866, ClinGen allele CA8350837.
Genomic context (GRCh38, chr17:7,556,855, plus strand): 5'-AGTGGCTGGGAGGAAGCCAGAATCAACAGCTCCAGCCCTCTGCGCTACAACCGCCAGATC[G>A]GGGAGTTTATAGTCACCCGGGCTGGGCTCTACTACCTGTACTGTCAGGTAAGCCCCATCT-3'
Protein context (NP_003800.1, residues 141-161): SSPLRYNRQI[Gly151Arg]EFIVTRAGLY

ClinVar aggregate classification (germline): Uncertain significance (1 of 4 stars; one submission).

Conditions:
Common variable immunodeficiency (CVID). Also called: Common variable hypogamma-globulinemia; Common variable agammaglobulinemia. Identifiers: Orphanet 1572, MedGen C0009447, MONDO:0015517.

Allele frequency attached by ClinVar (database versions not stated): gnomAD exomes 0.00001; ExAC 0.00003.
gnomAD v4.1: 9 of 1,556,572 alleles (0.00058%); highest among the groups gnomAD compares: African/African-American, 0.0041%; no homozygotes.

Submission:

Labcorp Genetics (formerly Invitae), Labcorp
Classification: Uncertain significance for Common variable immunodeficiency. Last evaluated: 2025-10-09. Review status: criteria provided, single submitter. Criteria: Invitae Variant Classification Sherloc (09022015). Collection method: clinical testing. Allele origin: germline.
Comment: This sequence change replaces glycine, which is neutral and non-polar, with arginine, which is basic and polar, at codon 151 of the TNFSF12 protein (p.Gly151Arg). The frequency data for this variant in the population databases is considered unreliable, as metrics indicate poor data quality at this position in the gnomAD database. This variant has not been reported in the literature in individuals affected with TNFSF12-related conditions. ClinVar contains an entry for this variant (Variation ID: 2980504). An algorithm developed to predict the effect of missense changes on protein structure and function (PolyPhen-2) suggests that this variant is likely to be disruptive. In summary, the available evidence is currently insufficient to determine the role of this variant in disease. Therefore, it has been classified as a Variant of Uncertain Significance.